The following is an entry in ClinVar:

NM_000051.4(ATM):c.3285-16G>A

Gene: ATM (ATM serine/threonine kinase; plus strand). Cytogenetic location: 11q22.3.
Variant type: single nucleotide variant.
Coding change: c.3285-16G>A on transcript NM_000051.4 (MANE Select); 16 bases into the intron before coding-DNA position 3285, G replaced by A.
Molecular consequence: intron variant.
Genome position (GRCh38, 1-based): chr11:108,279,475, G>A. VCF-style: chr11-108279475-G-A. GRCh37 (hg19) VCF-style: chr11-108150202-G-A.
Other names: c.3285-16G>A (NM_001351834.2).
Identifiers: ClinVar variation 3253950 (VCV003253950.3), dbSNP rs1057524332.

ClinVar aggregate classification (germline): Likely benign. Review status: criteria provided, multiple submitters, no conflicts (2 of 4 stars). 2 submissions from 2 submitters: Likely benign (2). Last evaluated 2025-12-24.

Conditions:
Familial cancer of breast. Also called: BREAST CANCER, FAMILIAL; hereditary breast carcinoma; Hereditary breast cancer. Identifiers: Orphanet 227535, MedGen C0346153, MONDO:0016419, OMIM 114480. Disease mechanism: loss of function.
Ataxia-telangiectasia syndrome (AT). Also called: LOUIS-BAR SYNDROME; Cerebello-oculocutaneous telangiectasia; Immunodeficiency with ataxia telangiectasia; AT, COMPLEMENTATION GROUP C; Ataxia-telangiectasia, complementation group D; ATAXIA-TELANGIECTASIA, COMPLEMENTATION GROUP A. Identifiers: Orphanet 100, MedGen C0004135, MONDO:0008840, OMIM 208900.

Submissions (2):

Labcorp Genetics (formerly Invitae), Labcorp
Classification: Likely benign for Ataxia-telangiectasia syndrome. Last evaluated: 2025-12-24. Review status: criteria provided, single submitter. Criteria: Invitae Variant Classification Sherloc (09022015). Collection method: clinical testing. Allele origin: germline.

Myriad Genetics, Inc.
Classification: Likely benign for Familial cancer of breast. Last evaluated: 2024-05-14. Review status: criteria provided, single submitter. Criteria: Myriad Autosomal Dominant, Autosomal Recessive and X-Linked Classification Criteria (2023). Collection method: clinical testing. Allele origin: unknown.
Comment: This variant is considered likely benign. This variant is intronic and is not expected to impact mRNA splicing.